The following is an entry in ClinVar:

ClinVar aggregate classification (germline): Likely benign (0 of 4 stars; one submission).

Conditions:
DAAM2-related disorder. Also called: DAAM2-related condition.

Allele frequency attached by ClinVar (database versions not stated): 1000 Genomes Project 0.00100; ESP Exome Variant Server 0.00121; ExAC 0.00207.

Submission:

PreventionGenetics, part of Exact Sciences
Classification: Likely benign for DAAM2-related condition. Last evaluated: 2021-10-25. Review status: no assertion criteria provided. Collection method: clinical testing. Allele origin: germline.
Comment: This variant is classified as likely benign based on ACMG/AMP sequence variant interpretation guidelines (Richards et al. 2015 PMID: 25741868, with internal and published modifications).

NM_001201427.2(DAAM2):c.1664C>T (p.Pro555Leu)

Gene: DAAM2 (dishevelled associated activator of morphogenesis 2; plus strand). Cytogenetic location: 6p21.2.
Variant type: single nucleotide variant.
Coding change: c.1664C>T on transcript NM_001201427.2 (MANE Select); coding-DNA position 1664, C replaced by T.
Protein change: p.Pro555Leu; replaces proline 555 with leucine.
Molecular consequence: missense variant.
Genome position (GRCh38, 1-based): chr6:39,879,296, C>T. VCF-style: chr6-39879296-C-T. GRCh37 (hg19) VCF-style: chr6-39847072-C-T.
Other names: c.1664C>T, p.Pro555Leu (NM_015345.4); short protein forms P555L.
Identifiers: ClinVar variation 3042638 (VCV003042638.2), dbSNP rs201570348, ClinGen allele CA3795014.